The following is an entry in ClinVar:

ClinVar aggregate classification (germline): Benign. Review status: criteria provided, multiple submitters, no conflicts (2 of 4 stars). 5 submissions from 5 submitters: Benign (3). 2 of the submissions do not count toward it. Last evaluated 2026-07-01.

Conditions:
BNC2-related disorder. Also called: BNC2-related condition.
Hypotension. Also called: low blood pressure; Hypotensive disorder. Identifiers: MedGen C0020649, MONDO:0005468, HP:0002615, MeSH D007022.

Allele frequency attached by ClinVar (database versions not stated): 1000 Genomes Project 0.00200; 1000 Genomes Project 30x 0.00203; TOPMed 0.00738; gnomAD exomes 0.00744; gnomAD 0.00749 and 0.00784; ExAC 0.00781; ESP Exome Variant Server 0.01007.
gnomAD v4.1: 17,728 of 1,614,134 alleles (1.1%); highest among the groups gnomAD compares: Non-Finnish European, 1.4%; 133 homozygotes.

Submissions (24):

CeGaT Center for Human Genetics Tuebingen
Classification: Benign. Last evaluated: 2026-07-01. Review status: criteria provided, single submitter. Criteria: CeGaT Center For Human Genetics Tuebingen Variant Classification Criteria Version 2. Collection method: clinical testing. Allele origin: germline. Affected: yes. Observed: 6 variant alleles.
Comment: BNC2: BS1, BS2

Labcorp Genetics (formerly Invitae), Labcorp
Classification: Benign. Last evaluated: 2025-12-31. Review status: criteria provided, single submitter. Criteria: Invitae Variant Classification Sherloc (09022015). Collection method: clinical testing. Allele origin: germline.

Breakthrough Genomics
Classification: Benign. Review status: criteria provided, single submitter. Criteria: ACMG Guidelines, 2015. Collection method: not provided. Allele origin: germline. Inheritance: Autosomal dominant inheritance. Affected: yes.

PreventionGenetics, part of Exact Sciences
Classification: Benign for BNC2-related condition. Last evaluated: 2019-06-26. Review status: no assertion criteria provided. Collection method: clinical testing. Allele origin: germline. Not counted in ClinVar's aggregate classification.
Comment: This variant is classified as benign based on ACMG/AMP sequence variant interpretation guidelines (Richards et al. 2015 PMID: 25741868, with internal and published modifications).

Centre for molecular medicine, Karolinska Institutet
No classification provided. Condition: Hypotension. Review status: no classification provided. Collection method: not provided. Allele origin: not provided. Not counted in ClinVar's aggregate classification.
Comment: hold until published

Dr. Peter K. Rogan Lab, Western University
No classification provided (evidence only). Condition: Clear cell carcinoma of kidney. Review status: no classification provided. Collection method: in vitro. Allele origin: not applicable. Functional consequence: skipped exon. Not counted in ClinVar's aggregate classification.

Dr. Peter K. Rogan Lab, Western University
No classification provided (evidence only). Condition: Clear cell carcinoma of kidney. Review status: no classification provided. Collection method: in vitro. Allele origin: not applicable. Functional consequence: skipped exon, retained intron. Not counted in ClinVar's aggregate classification.

Dr. Peter K. Rogan Lab, Western University
No classification provided (evidence only). Condition: Lung cancer. Review status: no classification provided. Collection method: in vitro. Allele origin: not applicable. Functional consequence: retained intron. Not counted in ClinVar's aggregate classification.

Dr. Peter K. Rogan Lab, Western University
No classification provided (evidence only). Condition: Lung cancer. Review status: no classification provided. Collection method: in vitro. Allele origin: not applicable. Functional consequence: retained intron. Not counted in ClinVar's aggregate classification.

Dr. Peter K. Rogan Lab, Western University
No classification provided (evidence only). Condition: Thyroid cancer, nonmedullary, 1. Review status: no classification provided. Collection method: in vitro. Allele origin: not applicable. Functional consequence: retained intron. Not counted in ClinVar's aggregate classification.

Dr. Peter K. Rogan Lab, Western University
No classification provided (evidence only). Condition: Thyroid cancer, nonmedullary, 1. Review status: no classification provided. Collection method: in vitro. Allele origin: not applicable. Functional consequence: retained intron. Not counted in ClinVar's aggregate classification.

Dr. Peter K. Rogan Lab, Western University
No classification provided (evidence only). Condition: Cervical cancer. Review status: no classification provided. Collection method: in vitro. Allele origin: not applicable. Functional consequence: retained intron. Not counted in ClinVar's aggregate classification.

Dr. Peter K. Rogan Lab, Western University
No classification provided (evidence only). Condition: Sarcoma. Review status: no classification provided. Collection method: in vitro. Allele origin: not applicable. Functional consequence: retained intron. Not counted in ClinVar's aggregate classification.

Dr. Peter K. Rogan Lab, Western University
No classification provided (evidence only). Condition: Nonpapillary renal cell carcinoma. Review status: no classification provided. Collection method: in vitro. Allele origin: not applicable. Functional consequence: retained intron. Not counted in ClinVar's aggregate classification.

Dr. Peter K. Rogan Lab, Western University
No classification provided (evidence only). Condition: Thymoma. Review status: no classification provided. Collection method: in vitro. Allele origin: not applicable. Functional consequence: retained intron. Not counted in ClinVar's aggregate classification.

Dr. Peter K. Rogan Lab, Western University
No classification provided (evidence only). Condition: Ovarian serous cystadenocarcinoma. Review status: no classification provided. Collection method: in vitro. Allele origin: not applicable. Functional consequence: retained intron. Not counted in ClinVar's aggregate classification.

Dr. Peter K. Rogan Lab, Western University
No classification provided (evidence only). Condition: Ovarian serous cystadenocarcinoma. Review status: no classification provided. Collection method: in vitro. Allele origin: not applicable. Functional consequence: retained intron. Not counted in ClinVar's aggregate classification.

Dr. Peter K. Rogan Lab, Western University
No classification provided (evidence only). Condition: Ovarian serous cystadenocarcinoma. Review status: no classification provided. Collection method: in vitro. Allele origin: not applicable. Functional consequence: retained intron. Not counted in ClinVar's aggregate classification.

Dr. Peter K. Rogan Lab, Western University
No classification provided (evidence only). Condition: Germ cell tumor of testis. Review status: no classification provided. Collection method: in vitro. Allele origin: not applicable. Functional consequence: retained intron. Not counted in ClinVar's aggregate classification.

Dr. Peter K. Rogan Lab, Western University
No classification provided (evidence only). Condition: Uveal melanoma. Review status: no classification provided. Collection method: in vitro. Allele origin: not applicable. Functional consequence: skipped exon, retained intron. Not counted in ClinVar's aggregate classification.

Dr. Peter K. Rogan Lab, Western University
No classification provided (evidence only). Condition: Uveal melanoma. Review status: no classification provided. Collection method: in vitro. Allele origin: not applicable. Functional consequence: skipped exon. Not counted in ClinVar's aggregate classification.

Dr. Peter K. Rogan Lab, Western University
No classification provided (evidence only). Condition: Uveal melanoma. Review status: no classification provided. Collection method: in vitro. Allele origin: not applicable. Functional consequence: retained intron. Not counted in ClinVar's aggregate classification.

Dr. Peter K. Rogan Lab, Western University
No classification provided (evidence only). Condition: Malignant tumor of esophagus. Review status: no classification provided. Collection method: in vitro. Allele origin: not applicable. Functional consequence: skipped exon. Not counted in ClinVar's aggregate classification.

Dr. Peter K. Rogan Lab, Western University
No classification provided (evidence only). Condition: Malignant tumor of esophagus. Review status: no classification provided. Collection method: in vitro. Allele origin: not applicable. Functional consequence: retained intron. Not counted in ClinVar's aggregate classification.

NM_017637.6(BNC2):c.1240C>G (p.Leu414Val)

Gene: BNC2 (basonuclin zinc finger protein 2; minus strand). Cytogenetic location: 9p22.3.
Variant type: single nucleotide variant.
Coding change: c.1240C>G on transcript NM_017637.6 (MANE Select); coding-DNA position 1240, C replaced by G.
Protein change: p.Leu414Val; replaces leucine 414 with valine.
Molecular consequence: missense variant.
Genome position (GRCh38, 1-based): chr9:16,436,954, G>C on the plus strand (C>G on the coding strand, the complement: BNC2 is on the minus strand). VCF-style: chr9-16436954-G-C. GRCh37 (hg19) VCF-style: chr9-16436952-G-C.
Other names: c.1114C>G, p.Leu372Val (NM_001317939.2); c.955C>G, p.Leu319Val (NM_001317940.2); short protein forms L414V, L372V, L319V.
Identifiers: ClinVar variation 120228 (VCV000120228.35), dbSNP rs148873573, ClinGen allele CA204314.